The following is an entry in ClinVar:

NM_004006.3(DMD):c.9040dup (p.Leu3014fs)

Gene: DMD (dystrophin; minus strand). Cytogenetic location: Xp21.2.
Variant type: Duplication.
Coding change: c.9040dup on transcript NM_004006.3 (MANE Select); coding-DNA position 9040, one base duplicated (C; older notation c.9040dupC).
Protein change: p.Leu3014fs; shifts the reading frame from leucine 3014.
Molecular consequence: frameshift variant.
Genome position (GRCh38, 1-based): chrX:31,444,525, G duplicated on the plus strand (C on the coding strand, the reverse complement: DMD is on the minus strand); the first of 2 consecutive G bases (chrX:31,444,525-31,444,526); duplicating either gives the same sequence. VCF-style (leftmost placement, unchanged base first): chrX-31444524-A-AG. GRCh37 (hg19) VCF-style: chrX-31462641-A-AG.
Other names: c.9040dupC (NM_004006.2); c.9016dup, p.Leu3006fs (NM_000109.4); c.9028dup, p.Leu3010fs (NM_004009.3); c.8671dup, p.Leu2891fs (NM_004010.3); c.5017dup, p.Leu1673fs (NM_004011.4); c.5008dup, p.Leu1670fs (NM_004012.4); c.1660dup, p.Leu554fs (NM_004013.3, NM_004020.4, NM_004021.3 and 2 more transcripts); c.853dup, p.Leu285fs (NM_004014.3); short protein forms L1673fs, L3010fs, L554fs, L285fs, L1670fs, L2891fs, L3006fs, L3014fs.
Identifiers: ClinVar variation 409885 (VCV000409885.11), dbSNP rs1556641290, ClinGen allele CA16616474.
Genomic context (GRCh38, chrX:31,444,524, plus strand): 5'-GTTTACAATGTGCTTACCTGCAGAAGCTTCCATCTGGTGTTCAGGTCTTCCAGAGTGCTG[A>AG]GGTTATACGGTGAGAGCTGAATGCCCAAAGTGGTAAGCTGGCGAGCAAGGTCATTGACGT-3'

ClinVar aggregate classification (germline): Pathogenic (1 of 4 stars; one submission).

Conditions:
Duchenne muscular dystrophy (DMD). Also called: MUSCULAR DYSTROPHY, PSEUDOHYPERTROPHIC PROGRESSIVE, DUCHENNE TYPE; Duchenne Muscular Dystrophy (DMD). Identifiers: Orphanet 98896, MedGen C0013264, MONDO:0010679, OMIM 310200.

Submission:

Labcorp Genetics (formerly Invitae), Labcorp
Classification: Pathogenic for Duchenne muscular dystrophy. Last evaluated: 2019-07-04. Review status: criteria provided, single submitter. Criteria: Invitae Variant Classification Sherloc (09022015). Collection method: clinical testing. Allele origin: germline.
Comment: This sequence change inserts 1 nucleotide in exon 60 of the DMD mRNA (c.9040dupC), causing a frameshift at codon 3014. This creates a premature translational stop signal (p.Leu3014Profs*27) and is expected to result in an absent or disrupted protein product. While this particular variant has not been reported in the literature, truncating variants in DMD are known to be pathogenic (PMID: 16770791). For these reasons, this variant has been classified as Pathogenic.

Literature cited by the submitters: PubMed 16770791.